The following is an entry in ClinVar:

NM_000059.4(BRCA2):c.6566del (p.Asn2189fs)

Gene: BRCA2 (BRCA2 DNA repair associated; plus strand). Cytogenetic location: 13q13.1.
Variant type: Deletion.
Coding change: c.6566del on transcript NM_000059.4 (MANE Select); coding-DNA position 6566, one base deleted (A; older notation c.6566delA).
Protein change: p.Asn2189fs; shifts the reading frame from asparagine 2189.
Molecular consequence: frameshift variant.
Genome position (GRCh38, 1-based): chr13:32,340,921, A deleted; the last of 5 consecutive A bases (chr13:32,340,917-32,340,921); deleting any one gives the same sequence. VCF-style (leftmost placement, unchanged base first): chr13-32340916-TA-T. GRCh37 (hg19) VCF-style: chr13-32915053-TA-T.
Other names: 6794delA; c.6566delA (NM_000059.3); short protein forms N2189fs.
Identifiers: ClinVar variation 266963 (VCV000266963.14), dbSNP rs397507373, ClinGen allele CA10589392.

ClinVar aggregate classification (germline): Pathogenic. Review status: reviewed by expert panel (3 of 4 stars). 4 submissions from 4 submitters: Pathogenic (1). 3 of the submissions do not count toward it. Last evaluated 2016-10-18.

Conditions:
Hereditary cancer-predisposing syndrome. Also called: Tumor predisposition; Hereditary neoplastic syndrome; Hereditary Cancer Syndrome; Neoplastic Syndromes, Hereditary. Identifiers: Orphanet 140162, MedGen C0027672, MeSH D009386, MONDO:0015356.
Hereditary breast ovarian cancer syndrome. Also called: Hereditary breast and ovarian cancer; Breast and ovarian cancer; BRCA1- and BRCA2-Associated Hereditary Breast and Ovarian Cancer; Hereditary breast and/or ovarian cancer syndrome; Hereditary breast and ovarian cancer syndrome; Hereditary breast and ovarian cancer syndrome (HBOC). Identifiers: Orphanet 145, MedGen C0677776, MeSH D061325, MONDO:0003582. Disease mechanism: loss of function.
Breast-ovarian cancer, familial, susceptibility to, 2 (BROVCA2). Also called: BRCA2 Hereditary Breast and Ovarian Cancer. Identifiers: Orphanet 145, MedGen C2675520, MONDO:0012933, OMIM 612555. Disease mechanism: loss of function.

Submissions (4):

Evidence-based Network for the Interpretation of Germline Mutant Alleles (ENIGMA)
Classification: Pathogenic for Breast-ovarian cancer, familial, susceptibility to, 2. Last evaluated: 2016-10-18. Review status: reviewed by expert panel. Criteria: ENIGMA BRCA1/2 Classification Criteria (2015). Collection method: curation. Allele origin: germline.
Comment: Variant allele predicted to encode a truncated non-functional protein.

Ambry Genetics
Classification: Pathogenic for Hereditary cancer-predisposing syndrome. Last evaluated: 2026-01-26. Review status: criteria provided, single submitter. Criteria: Ambry Variant Classification Scheme 2023. Collection method: clinical testing. Allele origin: germline. Not counted in ClinVar's aggregate classification.
Comment: The c.6566delA pathogenic mutation, located in coding exon 10 of the BRCA2 gene, results from a deletion of one nucleotide at nucleotide position 6566, causing a translational frameshift with a predicted alternate stop codon (p.N2189Tfs*2). This variant is considered to be rare based on population cohorts in the Genome Aggregation Database (gnomAD). This alteration is expected to result in loss of function by premature protein truncation or nonsense-mediated mRNA decay. As such, this alteration is interpreted as a disease-causing mutation.

Labcorp Genetics (formerly Invitae), Labcorp
Classification: Pathogenic for Hereditary breast ovarian cancer syndrome. Last evaluated: 2019-05-28. Review status: criteria provided, single submitter. Criteria: Invitae Variant Classification Sherloc (09022015). Collection method: clinical testing. Allele origin: germline. Not counted in ClinVar's aggregate classification.
Comment: For these reasons, this variant has been classified as Pathogenic. Loss-of-function variants in BRCA2 are known to be pathogenic (PMID: 20104584). This variant has been observed in an individual with an increased risk of breast and/or ovarian cancers (PMID: 29446198). ClinVar contains an entry for this variant (Variation ID: 266963). This variant is not present in population databases (ExAC no frequency). This sequence change creates a premature translational stop signal (p.Asn2189Thrfs*2) in the BRCA2 gene. It is expected to result in an absent or disrupted protein product.

Consortium of Investigators of Modifiers of BRCA1/2 (CIMBA), c/o University of Cambridge
Classification: Pathogenic for Breast-ovarian cancer, familial, susceptibility to, 2. Last evaluated: 2015-10-02. Review status: criteria provided, single submitter. Criteria: CIMBA Mutation Classification guidelines May 2016. Collection method: clinical testing. Allele origin: germline. Not counted in ClinVar's aggregate classification.

Literature cited by the submitters: PubMed 20104584 (cited by Labcorp Genetics (formerly Invitae), Labcorp); PubMed 29446198 (cited by Labcorp Genetics (formerly Invitae), Labcorp).